The following is an entry in ClinVar:

NM_002087.4(GRN):c.1449G>A (p.Pro483=)

Gene: GRN (granulin precursor; plus strand). Cytogenetic location: 17q21.31.
Variant type: single nucleotide variant.
Coding change: c.1449G>A on transcript NM_002087.4 (MANE Select); coding-DNA position 1449, G replaced by A.
Protein change: p.Pro483=; no amino-acid change (proline 483 retained).
Molecular consequence: synonymous variant.
Genome position (GRCh38, 1-based): chr17:44,352,376, G>A. VCF-style: chr17-44352376-G-A. GRCh37 (hg19) VCF-style: chr17-42429744-G-A.
Identifiers: ClinVar variation 772812 (VCV000772812.11), dbSNP rs150294858, ClinGen allele CA8602213.

ClinVar aggregate classification (germline): Likely benign. Review status: criteria provided, multiple submitters, no conflicts (2 of 4 stars). 5 submissions from 5 submitters: Likely benign (4). 1 of the submissions does not count toward it. Last evaluated 2026-07-01.

Conditions:
Neuronal ceroid lipofuscinosis 11. Also called: GRN-Related Neuronal Ceroid-Lipofuscinosis. Identifiers: Orphanet 314629, Orphanet 79262, MedGen C3539123, MONDO:0013866, OMIM 614706.
GRN-related frontotemporal lobar degeneration with Tdp43 inclusions (FTD2). Also called: DEMENTIA, HEREDITARY DYSPHASIC DISINHIBITION; FRONTOTEMPORAL LOBAR DEGENERATION WITH UBIQUITIN-POSITIVE INCLUSIONS; FTLD-TDP, GRN-RELATED; GRN Frontotemporal Dementia; FRONTOTEMPORAL DEMENTIA WITH TDP43 INCLUSIONS, GRN-RELATED. Identifiers: Orphanet 100070, Orphanet 282, MedGen C1843792, MONDO:0011842, OMIM 607485. Disease mechanism: loss of function.
GRN-related disorder. Also called: GRN-related disorders; GRN-related condition.

Allele frequency attached by ClinVar (database versions not stated): gnomAD exomes 0.00004; ExAC 0.00005; TOPMed 0.00006; gnomAD 0.00007 and 0.00009; ESP Exome Variant Server 0.00008; 1000 Genomes Project 0.00040; 1000 Genomes Project 30x 0.00047.
gnomAD v4.1: 40 of 1,613,734 alleles (0.0025%); highest among the groups gnomAD compares: Middle Eastern, 0.099%; no homozygotes.

Submissions (5):

CeGaT Center for Human Genetics Tuebingen
Classification: Likely benign. Last evaluated: 2026-07-01. Review status: criteria provided, single submitter. Criteria: CeGaT Center For Human Genetics Tuebingen Variant Classification Criteria Version 2. Collection method: clinical testing. Allele origin: germline. Affected: yes. Observed: 1 variant allele.
Comment: GRN: BP4, BP7

Labcorp Genetics (formerly Invitae), Labcorp
Classification: Likely benign for Neuronal ceroid lipofuscinosis 11; GRN-related frontotemporal lobar degeneration with Tdp43 inclusions. Last evaluated: 2025-10-27. Review status: criteria provided, single submitter. Criteria: Invitae Variant Classification Sherloc (09022015). Collection method: clinical testing. Allele origin: germline.

Blueprint Genetics
Classification: Likely benign. Last evaluated: 2023-11-23. Review status: criteria provided, single submitter. Criteria: ACMG Guidelines, 2015. Collection method: clinical testing. Allele origin: germline.

Breakthrough Genomics
Classification: Likely benign. Review status: criteria provided, single submitter. Criteria: ACMG Guidelines, 2015. Collection method: not provided. Allele origin: germline. Inheritance: Autosomal recessive inheritance. Affected: yes.

PreventionGenetics, part of Exact Sciences
Classification: Likely benign for GRN-related condition. Last evaluated: 2024-09-20. Review status: no assertion criteria provided. Collection method: clinical testing. Allele origin: germline. Not counted in ClinVar's aggregate classification.
Comment: This variant is classified as likely benign based on ACMG/AMP sequence variant interpretation guidelines (Richards et al. 2015 PMID: 25741868, with internal and published modifications).